The following is an entry in ClinVar:

ClinVar aggregate classification (germline): Uncertain significance (1 of 4 stars; one submission).

Conditions:
MHC class I deficiency. Identifiers: Orphanet 34592, MedGen C6024714, MONDO:0011476.

gnomAD v4.1: 1 of 1,614,234 alleles (0.000062%); highest among the groups gnomAD compares: Admixed American, 0.0017%; no homozygotes.

Submission:

Labcorp Genetics (formerly Invitae), Labcorp
Classification: Uncertain significance for MHC class I deficiency 1. Last evaluated: 2025-10-17. Review status: criteria provided, single submitter. Criteria: Invitae Variant Classification Sherloc (09022015). Collection method: clinical testing. Allele origin: germline.
Comment: This sequence change replaces proline, which is neutral and non-polar, with serine, which is neutral and polar, at codon 229 of the TAPBP protein (p.Pro229Ser). This variant is present in population databases (no rsID available, gnomAD 0.003%). This variant has not been reported in the literature in individuals affected with TAPBP-related conditions. An algorithm developed to predict the effect of missense changes on protein structure and function (PolyPhen-2) suggests that this variant is likely to be disruptive. In summary, the available evidence is currently insufficient to determine the role of this variant in disease. Therefore, it has been classified as a Variant of Uncertain Significance.

NM_003190.5(TAPBP):c.685C>T (p.Pro229Ser)

Gene: TAPBP (TAP binding protein; minus strand). Cytogenetic location: 6p21.32.
Variant type: single nucleotide variant.
Coding change: c.685C>T on transcript NM_003190.5 (MANE Select); coding-DNA position 685, C replaced by T.
Protein change: p.Pro229Ser; replaces proline 229 with serine.
Molecular consequence: missense variant.
Genome position (GRCh38, 1-based): chr6:33,305,172, G>A on the plus strand (C>T on the coding strand, the complement: TAPBP is on the minus strand). VCF-style: chr6-33305172-G-A. GRCh37 (hg19) VCF-style: chr6-33272949-G-A.
Other names: c.685C>T, p.Pro229Ser (NM_001410875.1, NM_172208.3); c.424C>T, p.Pro142Ser (NM_172209.3); short protein forms P142S, P229S.
Identifiers: ClinVar variation 4738946 (VCV004738946.1).
Genomic context (GRCh38, chr6:33,305,172, plus strand): 5'-GGCCCCATGGCTCATCATCATCCCAAGCAGCAAATGCCACGGCCCCTTCTTGGGCTGCTG[G>A]CATCTGGCCATTCAGCCCAGGAGTTGCAGCCAGGAGCAGATGTCCCTTACCCAGGTGCTG-3'
Protein context (NP_003181.3, residues 219-239): AATPGLNGQM[Pro229Ser]AAQEGAVAFA